The following is an entry in ClinVar:

NM_003107.3(SOX4):c.14C>T (p.Thr5Ile)

Gene: SOX4 (SRY-box transcription factor 4; plus strand). Cytogenetic location: 6p22.3.
Variant type: single nucleotide variant.
Coding change: c.14C>T on transcript NM_003107.3 (MANE Select); coding-DNA position 14, C replaced by T.
Protein change: p.Thr5Ile; replaces threonine 5 with isoleucine.
Molecular consequence: missense variant.
Genome position (GRCh38, 1-based): chr6:21,594,548, C>T. VCF-style: chr6-21594548-C-T. GRCh37 (hg19) VCF-style: chr6-21594779-C-T.
Other names: short protein forms T5I.
Identifiers: ClinVar variation 3906641 (VCV003906641.1).

ClinVar aggregate classification (germline): Uncertain significance (1 of 4 stars; one submission).

Submission:

GeneDx
Classification: Uncertain significance. Last evaluated: 2024-12-18. Review status: criteria provided, single submitter. Criteria: GeneDx Variant Classification Process June 2021. Collection method: clinical testing. Allele origin: germline. Affected: yes.
Comment: Not observed at significant frequency in large population cohorts (gnomAD); In silico analysis supports that this missense variant has a deleterious effect on protein structure/function; Has not been previously published as pathogenic or benign to our knowledge